The following is an entry in ClinVar:

ClinVar aggregate classification (germline): Uncertain significance (1 of 4 stars; one submission).

Conditions:
Neuronal ceroid lipofuscinosis 11. Also called: GRN-Related Neuronal Ceroid-Lipofuscinosis. Identifiers: Orphanet 314629, Orphanet 79262, MedGen C3539123, MONDO:0013866, OMIM 614706.
GRN-related frontotemporal lobar degeneration with Tdp43 inclusions (FTD2). Also called: DEMENTIA, HEREDITARY DYSPHASIC DISINHIBITION; FRONTOTEMPORAL LOBAR DEGENERATION WITH UBIQUITIN-POSITIVE INCLUSIONS; FTLD-TDP, GRN-RELATED; GRN Frontotemporal Dementia; FRONTOTEMPORAL DEMENTIA WITH TDP43 INCLUSIONS, GRN-RELATED. Identifiers: Orphanet 100070, Orphanet 282, MedGen C1843792, MONDO:0011842, OMIM 607485. Disease mechanism: loss of function.

Allele frequency attached by ClinVar (database versions not stated): gnomAD 0.00001; gnomAD exomes 0.00001; ExAC 0.00004.
gnomAD v4.1: 7 of 1,613,842 alleles (0.00043%); highest among the groups gnomAD compares: Non-Finnish European, 0.00059%; no homozygotes.

Submission:

Labcorp Genetics (formerly Invitae), Labcorp
Classification: Uncertain significance for Neuronal ceroid lipofuscinosis 11; GRN-related frontotemporal lobar degeneration with Tdp43 inclusions. Last evaluated: 2022-03-13. Review status: criteria provided, single submitter. Criteria: Invitae Variant Classification Sherloc (09022015). Collection method: clinical testing. Allele origin: germline.
Comment: This sequence change replaces cysteine, which is neutral and slightly polar, with serine, which is neutral and polar, at codon 534 of the GRN protein (p.Cys534Ser). In summary, the available evidence is currently insufficient to determine the role of this variant in disease. Therefore, it has been classified as a Variant of Uncertain Significance. Algorithms developed to predict the effect of missense changes on protein structure and function (SIFT, PolyPhen-2, Align-GVGD) all suggest that this variant is likely to be disruptive. This variant has not been reported in the literature in individuals affected with GRN-related conditions. This variant is present in population databases (rs750941026, gnomAD 0.004%).

NM_002087.4(GRN):c.1600T>A (p.Cys534Ser)

Gene: GRN (granulin precursor; plus strand). Cytogenetic location: 17q21.31.
Variant type: single nucleotide variant.
Coding change: c.1600T>A on transcript NM_002087.4 (MANE Select); coding-DNA position 1600, T replaced by A.
Protein change: p.Cys534Ser; replaces cysteine 534 with serine.
Molecular consequence: missense variant.
Genome position (GRCh38, 1-based): chr17:44,352,527, T>A. VCF-style: chr17-44352527-T-A. GRCh37 (hg19) VCF-style: chr17-42429895-T-A.
Other names: short protein forms C534S.
Identifiers: ClinVar variation 2059996 (VCV002059996.4), dbSNP rs750941026, ClinGen allele CA8602240.
Genomic context (GRCh38, chr17:44,352,527, plus strand): 5'-GTGGGTGTGAAGGACGTGGAGTGTGGGGAAGGACACTTCTGCCATGATAACCAGACCTGC[T>A]GCCGAGACAACCGACAGGGCTGGGCCTGCTGTCCCTACCGCCAGGTCAGTGCCAACCCCC-3'
Protein context (NP_002078.1, residues 524-544): GHFCHDNQTC[Cys534Ser]RDNRQGWACC